The following is an entry in ClinVar:

ClinVar aggregate classification (germline): Benign/Likely benign. Review status: criteria provided, multiple submitters, no conflicts (2 of 4 stars). 4 submissions from 4 submitters: Benign (1); Likely benign (2). 1 of the submissions does not count toward it. Last evaluated 2025-05-05.

Conditions:
Pheochromocytoma. Also called: MAX-Related Hereditary Paraganglioma-Pheochromocytoma Syndrome. Identifiers: Orphanet 29072, MedGen C0031511, MONDO:0008233, OMIM 171300, HP:0002666.
Gastrointestinal stromal tumor. Also called: Gastrointestinal stroma tumor; Gastrointestinal stromal tumor, somatic. Identifiers: Orphanet 44890, MedGen C0238198, MeSH D046152, MONDO:0011719, OMIM 606764, HP:0100723.
Pheochromocytoma/paraganglioma syndrome 4. Also called: SDHB-Related Hereditary Paraganglioma-Pheochromocytoma Syndrome (Paragangliomas 4); SDHB-Related Hereditary Paraganglioma-Pheochromocytoma Syndrome; CAROTID BODY TUMORS AND MULTIPLE EXTRAADRENAL PHEOCHROMOCYTOMAS; PARAGANGLIOMA, FAMILIAL MALIGNANT; PARAGANGLIOMAS, HEREDITARY EXTRAADRENAL; PHEOCHROMOCYTOMA, FAMILIAL EXTRAADRENAL. Identifiers: Orphanet 29072, MedGen C1861848, MONDO:0007273, OMIM 115310.
Hereditary cancer-predisposing syndrome. Also called: Neoplastic Syndromes, Hereditary; Hereditary Cancer Syndrome; Hereditary neoplastic syndrome; Tumor predisposition. Identifiers: Orphanet 140162, MedGen C0027672, MeSH D009386, MONDO:0015356.
SDHB-related disorder. Also called: SDHB-related condition; SDHB-related disorders. Identifiers: MedGen CN239418.

Submissions (4):

Labcorp Genetics (formerly Invitae), Labcorp
Classification: Likely benign for Gastrointestinal stromal tumor; Pheochromocytoma/paraganglioma syndrome 4; Pheochromocytoma. Last evaluated: 2025-05-05. Review status: criteria provided, single submitter. Criteria: Invitae Variant Classification Sherloc (09022015). Collection method: clinical testing. Allele origin: germline.

Myriad Genetics, Inc.
Classification: Benign for Pheochromocytoma/paraganglioma syndrome 4. Last evaluated: 2025-03-12. Review status: criteria provided, single submitter. Criteria: Myriad Autosomal Dominant, Autosomal Recessive and X-Linked Classification Criteria (2023). Collection method: clinical testing. Allele origin: unknown.
Comment: This variant is considered benign. This variant is a silent/synonymous amino acid change and it is not expected to impact splicing.

Ambry Genetics
Classification: Likely benign for Hereditary cancer-predisposing syndrome. Last evaluated: 2019-12-22. Review status: criteria provided, single submitter. Criteria: Ambry Variant Classification Scheme 2023. Collection method: clinical testing. Allele origin: germline.

PreventionGenetics, part of Exact Sciences
Classification: Likely benign for SDHB-related condition. Last evaluated: 2023-12-14. Review status: no assertion criteria provided. Collection method: clinical testing. Allele origin: germline. Not counted in ClinVar's aggregate classification.
Comment: This variant is classified as likely benign based on ACMG/AMP sequence variant interpretation guidelines (Richards et al. 2015 PMID: 25741868, with internal and published modifications).

NM_003000.3(SDHB):c.252C>T (p.Asp84=)

Gene: SDHB (succinate dehydrogenase complex iron sulfur subunit B; minus strand). Cytogenetic location: 1p36.13.
Variant type: single nucleotide variant.
Coding change: c.252C>T on transcript NM_003000.3 (MANE Select); coding-DNA position 252, C replaced by T.
Protein change: p.Asp84=; no amino-acid change (aspartic acid 84 retained).
Molecular consequence: synonymous variant.
Genome position (GRCh38, 1-based): chr1:17,033,094, G>A on the plus strand (C>T on the coding strand, the complement: SDHB is on the minus strand). VCF-style: chr1-17033094-G-A. GRCh37 (hg19) VCF-style: chr1-17359589-G-A.
Identifiers: ClinVar variation 1101712 (VCV001101712.12), dbSNP rs1427902008, ClinGen allele CA416089348.